The following is an entry in ClinVar:

NM_016180.5(SLC45A2):c.52G>A (p.Asp18Asn)

Gene: SLC45A2 (solute carrier family 45 member 2; minus strand). Cytogenetic location: 5p13.2.
Variant type: single nucleotide variant.
Coding change: c.52G>A on transcript NM_016180.5 (MANE Select); coding-DNA position 52, G replaced by A.
Protein change: p.Asp18Asn; replaces aspartic acid 18 with asparagine.
Molecular consequence: missense variant.
Genome position (GRCh38, 1-based): chr5:33,984,532, C>T on the plus strand (G>A on the coding strand, the complement: SLC45A2 is on the minus strand). VCF-style: chr5-33984532-C-T. GRCh37 (hg19) VCF-style: chr5-33984637-C-T.
Other names: c.52G>A, p.Asp18Asn (NM_001012509.4, NM_001297417.4); short protein forms D18N.
Identifiers: ClinVar variation 2094150 (VCV002094150.2), dbSNP rs888610793, ClinGen allele CA116903882.

ClinVar aggregate classification (germline): Uncertain significance (1 of 4 stars; one submission).

Allele frequency attached by ClinVar (database versions not stated): TOPMed below 0.00001.

Submission:

Labcorp Genetics (formerly Invitae), Labcorp
Classification: Uncertain significance. Last evaluated: 2024-10-16. Review status: criteria provided, single submitter. Criteria: Invitae Variant Classification Sherloc (09022015). Collection method: clinical testing. Allele origin: germline.
Comment: This sequence change replaces aspartic acid, which is acidic and polar, with asparagine, which is neutral and polar, at codon 18 of the SLC45A2 protein (p.Asp18Asn). This variant is not present in population databases (gnomAD no frequency). This variant has not been reported in the literature in individuals affected with SLC45A2-related conditions. ClinVar contains an entry for this variant (Variation ID: 2094150). An algorithm developed to predict the effect of missense changes on protein structure and function (PolyPhen-2) suggests that this variant¬†is likely to be tolerated. In summary, the available evidence is currently insufficient to determine the role of this variant in disease. Therefore, it has been classified as a Variant of Uncertain Significance.